The following is an entry in ClinVar:

NM_000017.4(ACADS):c.663G>T (p.Gly221=)

Gene: ACADS (acyl-CoA dehydrogenase short chain; plus strand). Cytogenetic location: 12q24.31.
Variant type: single nucleotide variant.
Coding change: c.663G>T on transcript NM_000017.4 (MANE Select); coding-DNA position 663, G replaced by T.
Protein change: p.Gly221=; no amino-acid change (glycine 221 retained).
Molecular consequence: synonymous variant.
Genome position (GRCh38, 1-based): chr12:120,738,318, G>T. VCF-style: chr12-120738318-G-T. GRCh37 (hg19) VCF-style: chr12-121176121-G-T.
Other names: c.651G>T, p.Gly217= (NM_001302554.2).
Identifiers: ClinVar variation 728094 (VCV000728094.15), dbSNP rs751023929, ClinGen allele CA6831031.

ClinVar aggregate classification (germline): Conflicting classifications of pathogenicity. Review status: criteria provided, conflicting classifications (1 of 4 stars). 4 submissions from 4 submitters: Uncertain significance (1); Benign (2). 1 of the submissions does not count toward it. Last evaluated 2026-01-05.

Conditions:
ACADS-related disorder. Also called: ACADS-related condition.
Deficiency of butyryl-CoA dehydrogenase (ACADSD). Also called: SCAD Deficiency; SCAD DEFICIENCY, MILD; ACYL-CoA DEHYDROGENASE, SHORT-CHAIN, DEFICIENCY OF; SCADH DEFICIENCY; Short-Chain Acyl-CoA Dehydrogenase Deficiency; ACADS DEFICIENCY. Identifiers: Orphanet 26792, MedGen C0342783, MONDO:0008722, OMIM 201470. Disease mechanism: May be benign.

Allele frequency attached by ClinVar (database versions not stated): gnomAD 0.00004 and 0.00005; TOPMed 0.00014; gnomAD exomes 0.00019 and 0.00041; ExAC 0.00035.
gnomAD v4.1: 121 of 1,614,096 alleles (0.0075%); highest among the groups gnomAD compares: Admixed American, 0.2%; 1 homozygote.

Submissions (4):

Labcorp Genetics (formerly Invitae), Labcorp
Classification: Benign for Deficiency of butyryl-CoA dehydrogenase. Last evaluated: 2026-01-05. Review status: criteria provided, single submitter. Criteria: Invitae Variant Classification Sherloc (09022015). Collection method: clinical testing. Allele origin: germline.

Genome-Nilou Lab
Classification: Benign for Deficiency of butyryl-CoA dehydrogenase. Last evaluated: 2021-11-07. Review status: criteria provided, single submitter. Criteria: ACMG Guidelines, 2015. Collection method: clinical testing. Allele origin: germline. Affected: no.

Illumina Laboratory Services, Illumina
Classification: Uncertain significance for Deficiency of butyryl-CoA dehydrogenase. Last evaluated: 2018-01-12. Review status: criteria provided, single submitter. Criteria: ICSL Variant Classification Criteria 13 December 2019. Collection method: clinical testing. Allele origin: germline.

PreventionGenetics, part of Exact Sciences
Classification: Likely benign for ACADS-related condition. Last evaluated: 2019-03-08. Review status: no assertion criteria provided. Collection method: clinical testing. Allele origin: germline. Not counted in ClinVar's aggregate classification.
Comment: This variant is classified as likely benign based on ACMG/AMP sequence variant interpretation guidelines (Richards et al. 2015 PMID: 25741868, with internal and published modifications).